The following is an entry in ClinVar:

NM_001379500.1(COL18A1):c.107-11515C>T

Gene: COL18A1 (collagen type XVIII alpha 1 chain; plus strand). Cytogenetic location: 21q22.3.
Variant type: single nucleotide variant.
Coding change: c.107-11515C>T on transcript NM_001379500.1 (MANE Select); 11515 bases into the intron before coding-DNA position 107, C replaced by T.
Molecular consequence: intron variant. On other transcripts: synonymous variant (1).
Genome position (GRCh38, 1-based): chr21:45,456,727, C>T. VCF-style: chr21-45456727-C-T. GRCh37 (hg19) VCF-style: chr21-46876641-C-T.
Other names: c.1197C>T, p.Ser399= (NM_130444.3); c.646+551C>T (NM_030582.4).
Identifiers: ClinVar variation 3032808 (VCV003032808.3), dbSNP rs764628289, ClinGen allele CA10065638.

ClinVar aggregate classification (germline): Likely benign. Review status: criteria provided, single submitter (1 of 4 stars). 2 submissions from 2 submitters: Likely benign (1). 1 of the submissions does not count toward it. Last evaluated 2022-05-16.

Conditions:
COL18A1-related disorder. Also called: COL18A1-related disorders; COL18A1-related condition.

Allele frequency attached by ClinVar (database versions not stated): gnomAD exomes 0.00003; ExAC 0.00009; TOPMed 0.00019; gnomAD 0.00020; 1000 Genomes Project 30x 0.00031.
gnomAD v4.1: 75 of 1,533,206 alleles (0.0049%); highest among the groups gnomAD compares: African/African-American, 0.07%; no homozygotes.

Submissions (2):

Blueprint Genetics
Classification: Likely benign. Last evaluated: 2022-05-16. Review status: criteria provided, single submitter. Criteria: ACMG Guidelines, 2015. Collection method: clinical testing. Allele origin: germline.

PreventionGenetics, part of Exact Sciences
Classification: Likely benign for COL18A1-related condition. Last evaluated: 2023-02-20. Review status: no assertion criteria provided. Collection method: clinical testing. Allele origin: germline. Not counted in ClinVar's aggregate classification.
Comment: This variant is classified as likely benign based on ACMG/AMP sequence variant interpretation guidelines (Richards et al. 2015 PMID: 25741868, with internal and published modifications).